The following is an entry in ClinVar:

ClinVar aggregate classification (germline): Uncertain significance (1 of 4 stars; one submission).

Conditions:
Nemaline myopathy 6 (NEM6). Also called: Nemaline myopathy 6, autosomal dominant. Identifiers: Orphanet 171439, MedGen C1836472, MONDO:0012237, OMIM 609273.

Submission:

Labcorp Genetics (formerly Invitae), Labcorp
Classification: Uncertain significance for Nemaline myopathy 6. Last evaluated: 2024-08-30. Review status: criteria provided, single submitter. Criteria: Invitae Variant Classification Sherloc (09022015). Collection method: clinical testing. Allele origin: germline.
Comment: This sequence change replaces glutamine, which is neutral and polar, with arginine, which is basic and polar, at codon 293 of the KBTBD13 protein (p.Gln293Arg). Information on the frequency of this variant in the gnomAD database is not available, as this variant may be reported differently in the database. This variant has not been reported in the literature in individuals affected with KBTBD13-related conditions. An algorithm developed to predict the effect of missense changes on protein structure and function (PolyPhen-2) suggests that this variant is likely to be tolerated. In summary, the available evidence is currently insufficient to determine the role of this variant in disease. Therefore, it has been classified as a Variant of Uncertain Significance.

NM_001101362.3(KBTBD13):c.877_878delinsAG (p.Gln293Arg)

Gene: KBTBD13 (kelch repeat and BTB domain containing 13; plus strand). Cytogenetic location: 15q22.31.
Variant type: Indel.
Coding change: c.877_878delinsAG on transcript NM_001101362.3 (MANE Select); coding-DNA positions 877 to 878, CA replaced by AG.
Protein change: p.Gln293Arg; replaces glutamine 293 with arginine.
Molecular consequence: missense variant.
Genome position (GRCh38, 1-based): chr15:65,077,692-65,077,693, CA replaced by AG. VCF-style: chr15-65077692-CA-AG. GRCh37 (hg19) VCF-style: chr15-65370030-CA-AG.
Other names: short protein forms Q293R.
Identifiers: ClinVar variation 3688234 (VCV003688234.2).